The following is an entry in ClinVar:

NM_033026.6(PCLO):c.12317G>C (p.Ser4106Thr)

Gene: PCLO (piccolo presynaptic cytomatrix protein; minus strand). Cytogenetic location: 7q21.11.
Variant type: single nucleotide variant.
Coding change: c.12317G>C on transcript NM_033026.6 (MANE Select); coding-DNA position 12317, G replaced by C.
Protein change: p.Ser4106Thr; replaces serine 4106 with threonine.
Molecular consequence: missense variant.
Genome position (GRCh38, 1-based): chr7:82,915,669, C>G on the plus strand (G>C on the coding strand, the complement: PCLO is on the minus strand). VCF-style: chr7-82915669-C-G. GRCh37 (hg19) VCF-style: chr7-82544985-C-G.
Other names: c.12317G>C, p.Ser4106Thr (NM_014510.3); c.12317G>C (NM_033026.5); short protein forms S4106T.
Identifiers: ClinVar variation 1944359 (VCV001944359.3), dbSNP rs373163505, ClinGen allele CA4319393.

ClinVar aggregate classification (germline): Uncertain significance. Review status: criteria provided, multiple submitters, no conflicts (2 of 4 stars). 2 submissions from 2 submitters: Uncertain significance (2). Last evaluated 2024-05-07.

Conditions:
Inborn genetic diseases. Identifiers: MedGen C0950123, MeSH D030342.

Allele frequency attached by ClinVar (database versions not stated): ExAC 0.00003; gnomAD 0.00003; gnomAD exomes 0.00003; TOPMed 0.00003; ESP Exome Variant Server 0.00017.
gnomAD v4.1: 42 of 1,613,154 alleles (0.0026%); highest among the groups gnomAD compares: African/African-American, 0.004%; no homozygotes.

Submissions (2):

Ambry Genetics
Classification: Uncertain significance for Inborn genetic diseases. Last evaluated: 2024-05-07. Review status: criteria provided, single submitter. Criteria: Ambry Variant Classification Scheme 2023. Collection method: clinical testing. Allele origin: germline.

Labcorp Genetics (formerly Invitae), Labcorp
Classification: Uncertain significance. Last evaluated: 2022-07-22. Review status: criteria provided, single submitter. Criteria: Invitae Variant Classification Sherloc (09022015). Collection method: clinical testing. Allele origin: germline.
Comment: This sequence change replaces serine, which is neutral and polar, with threonine, which is neutral and polar, at codon 4106 of the PCLO protein (p.Ser4106Thr). This variant is present in population databases (rs373163505, gnomAD 0.005%). This variant has not been reported in the literature in individuals affected with PCLO-related conditions. Algorithms developed to predict the effect of missense changes on protein structure and function output the following: SIFT: "Tolerated"; PolyPhen-2: "Not Available"; Align-GVGD: "Class C0". The threonine amino acid residue is found in multiple mammalian species, which suggests that this missense change does not adversely affect protein function. In summary, the available evidence is currently insufficient to determine the role of this variant in disease. Therefore, it has been classified as a Variant of Uncertain Significance.